The following is an entry in ClinVar:

NM_018089.3(ANKZF1):c.1753C>T (p.Arg585Ter)

Gene: ANKZF1 (ankyrin repeat and zinc finger peptidyl tRNA hydrolase 1; plus strand). Cytogenetic location: 2q35.
Variant type: single nucleotide variant.
Coding change: c.1753C>T on transcript NM_018089.3 (MANE Select); coding-DNA position 1753, C replaced by T.
Protein change: p.Arg585Ter; replaces arginine 585 with a stop codon.
Molecular consequence: nonsense.
Genome position (GRCh38, 1-based): chr2:219,235,535, C>T. VCF-style: chr2-219235535-C-T. GRCh37 (hg19) VCF-style: chr2-220100257-C-T.
Other names: c.1753C>T, p.Arg585Ter (NM_001042410.2); c.1123C>T, p.Arg375Ter (NM_001282792.2); short protein forms R585*, R375*.
Identifiers: ClinVar variation 2177481 (VCV002177481.4), dbSNP rs370396125, ClinGen allele CA2121158.

ClinVar aggregate classification (germline): Uncertain significance (1 of 4 stars; one submission).

Allele frequency attached by ClinVar (database versions not stated): ExAC 0.00001; gnomAD 0.00002; gnomAD exomes 0.00002; TOPMed 0.00002; ESP Exome Variant Server 0.00008.
gnomAD v4.1: 34 of 1,613,954 alleles (0.0021%); highest among the groups gnomAD compares: East Asian, 0.0067%; no homozygotes.

Submission:

Labcorp Genetics (formerly Invitae), Labcorp
Classification: Uncertain significance. Last evaluated: 2025-10-21. Review status: criteria provided, single submitter. Criteria: Invitae Variant Classification Sherloc (09022015). Collection method: clinical testing. Allele origin: germline.
Comment: This sequence change creates a premature translational stop signal (p.Arg585*) in the ANKZF1 gene. It is expected to result in an absent or disrupted protein product. However, the current clinical and genetic evidence is not sufficient to establish whether loss-of-function variants in ANKZF1 cause disease. This variant is present in population databases (rs370396125, gnomAD 0.002%). This variant has not been reported in the literature in individuals affected with ANKZF1-related conditions. ClinVar contains an entry for this variant (Variation ID: 2177481). Algorithms developed to predict the effect of sequence changes on RNA splicing suggest that this variant may disrupt the consensus splice site. In summary, the available evidence is currently insufficient to determine the role of this variant in disease. Therefore, it has been classified as a Variant of Uncertain Significance.